The following is an entry in ClinVar:

ClinVar aggregate classification (germline): Benign (0 of 4 stars; one submission).

Conditions:
CLASP2-related disorder. Also called: CLASP2-related condition.

Allele frequency attached by ClinVar (database versions not stated): gnomAD 0.01573; ESP Exome Variant Server 0.01881; 1000 Genomes Project 30x 0.01093; 1000 Genomes Project 0.01138; TOPMed 0.01511.
gnomAD v4.1: 36,918 of 1,613,370 alleles (2.3%); highest among the groups gnomAD compares: South Asian, 2.7%; 509 homozygotes.

Submissions (29):

PreventionGenetics, part of Exact Sciences
Classification: Benign for CLASP2-related condition. Last evaluated: 2019-03-26. Review status: no assertion criteria provided. Collection method: clinical testing. Allele origin: germline.
Comment: This variant is classified as benign based on ACMG/AMP sequence variant interpretation guidelines (Richards et al. 2015 PMID: 25741868, with internal and published modifications).

Dr. Peter K. Rogan Lab, Western University
No classification provided (evidence only). Condition: Lung cancer. Review status: no classification provided. Collection method: in vitro. Allele origin: not applicable. Functional consequence: retained intron. Not counted in ClinVar's aggregate classification.

Dr. Peter K. Rogan Lab, Western University
No classification provided (evidence only). Condition: Lung cancer. Review status: no classification provided. Collection method: in vitro. Allele origin: not applicable. Functional consequence: skipped exon. Not counted in ClinVar's aggregate classification.

Dr. Peter K. Rogan Lab, Western University
No classification provided (evidence only). Condition: Lung cancer. Review status: no classification provided. Collection method: in vitro. Allele origin: not applicable. Functional consequence: skipped exon, retained intron. Not counted in ClinVar's aggregate classification.

Dr. Peter K. Rogan Lab, Western University
No classification provided (evidence only). Condition: Lung cancer. Review status: no classification provided. Collection method: in vitro. Allele origin: not applicable. Functional consequence: skipped exon. Not counted in ClinVar's aggregate classification.

Dr. Peter K. Rogan Lab, Western University
No classification provided (evidence only). Condition: Melanoma. Review status: no classification provided. Collection method: in vitro. Allele origin: not applicable. Functional consequence: skipped exon, retained intron. Not counted in ClinVar's aggregate classification.

Dr. Peter K. Rogan Lab, Western University
No classification provided (evidence only). Condition: Melanoma. Review status: no classification provided. Collection method: in vitro. Allele origin: not applicable. Functional consequence: skipped exon. Not counted in ClinVar's aggregate classification.

Dr. Peter K. Rogan Lab, Western University
No classification provided (evidence only). Condition: Melanoma. Review status: no classification provided. Collection method: in vitro. Allele origin: not applicable. Functional consequence: skipped exon, retained intron. Not counted in ClinVar's aggregate classification.

Dr. Peter K. Rogan Lab, Western University
No classification provided (evidence only). Condition: Melanoma. Review status: no classification provided. Collection method: in vitro. Allele origin: not applicable. Functional consequence: skipped exon. Not counted in ClinVar's aggregate classification.

Dr. Peter K. Rogan Lab, Western University
No classification provided (evidence only). Condition: Acute myeloid leukemia. Review status: no classification provided. Collection method: in vitro. Allele origin: not applicable. Functional consequence: retained intron. Not counted in ClinVar's aggregate classification.

Dr. Peter K. Rogan Lab, Western University
No classification provided (evidence only). Condition: Acute myeloid leukemia. Review status: no classification provided. Collection method: in vitro. Allele origin: not applicable. Functional consequence: retained intron. Not counted in ClinVar's aggregate classification.

Dr. Peter K. Rogan Lab, Western University
No classification provided (evidence only). Condition: Acute myeloid leukemia. Review status: no classification provided. Collection method: in vitro. Allele origin: not applicable. Functional consequence: retained intron. Not counted in ClinVar's aggregate classification.

Dr. Peter K. Rogan Lab, Western University
No classification provided (evidence only). Condition: Thyroid cancer, nonmedullary, 1. Review status: no classification provided. Collection method: in vitro. Allele origin: not applicable. Functional consequence: retained intron. Not counted in ClinVar's aggregate classification.

Dr. Peter K. Rogan Lab, Western University
No classification provided (evidence only). Condition: Thyroid cancer, nonmedullary, 1. Review status: no classification provided. Collection method: in vitro. Allele origin: not applicable. Functional consequence: retained intron. Not counted in ClinVar's aggregate classification.

Dr. Peter K. Rogan Lab, Western University
No classification provided (evidence only). Condition: Cervical cancer. Review status: no classification provided. Collection method: in vitro. Allele origin: not applicable. Functional consequence: skipped exon. Not counted in ClinVar's aggregate classification.

Dr. Peter K. Rogan Lab, Western University
No classification provided (evidence only). Condition: Cervical cancer. Review status: no classification provided. Collection method: in vitro. Allele origin: not applicable. Functional consequence: skipped exon. Not counted in ClinVar's aggregate classification.

Dr. Peter K. Rogan Lab, Western University
No classification provided (evidence only). Condition: Sarcoma. Review status: no classification provided. Collection method: in vitro. Allele origin: not applicable. Functional consequence: skipped exon. Not counted in ClinVar's aggregate classification.

Dr. Peter K. Rogan Lab, Western University
No classification provided (evidence only). Condition: Hepatocellular carcinoma. Review status: no classification provided. Collection method: in vitro. Allele origin: not applicable. Functional consequence: skipped exon. Not counted in ClinVar's aggregate classification.

Dr. Peter K. Rogan Lab, Western University
No classification provided (evidence only). Condition: Hepatocellular carcinoma. Review status: no classification provided. Collection method: in vitro. Allele origin: not applicable. Functional consequence: skipped exon. Not counted in ClinVar's aggregate classification.

Dr. Peter K. Rogan Lab, Western University
No classification provided (evidence only). Condition: Nonpapillary renal cell carcinoma. Review status: no classification provided. Collection method: in vitro. Allele origin: not applicable. Functional consequence: retained intron. Not counted in ClinVar's aggregate classification.

Dr. Peter K. Rogan Lab, Western University
No classification provided (evidence only). Condition: Gastric cancer. Review status: no classification provided. Collection method: in vitro. Allele origin: not applicable. Functional consequence: retained intron. Not counted in ClinVar's aggregate classification.

Dr. Peter K. Rogan Lab, Western University
No classification provided (evidence only). Condition: Gastric cancer. Review status: no classification provided. Collection method: in vitro. Allele origin: not applicable. Functional consequence: retained intron. Not counted in ClinVar's aggregate classification.

Dr. Peter K. Rogan Lab, Western University
No classification provided (evidence only). Condition: Uveal melanoma. Review status: no classification provided. Collection method: in vitro. Allele origin: not applicable. Functional consequence: retained intron. Not counted in ClinVar's aggregate classification.

Dr. Peter K. Rogan Lab, Western University
No classification provided (evidence only). Condition: Malignant tumor of esophagus. Review status: no classification provided. Collection method: in vitro. Allele origin: not applicable. Functional consequence: skipped exon, retained intron. Not counted in ClinVar's aggregate classification.

Dr. Peter K. Rogan Lab, Western University
No classification provided (evidence only). Condition: Malignant tumor of esophagus. Review status: no classification provided. Collection method: in vitro. Allele origin: not applicable. Functional consequence: retained intron. Not counted in ClinVar's aggregate classification.

Dr. Peter K. Rogan Lab, Western University
No classification provided (evidence only). Condition: Malignant tumor of esophagus. Review status: no classification provided. Collection method: in vitro. Allele origin: not applicable. Functional consequence: retained intron. Not counted in ClinVar's aggregate classification.

Dr. Peter K. Rogan Lab, Western University
No classification provided (evidence only). Condition: Malignant tumor of esophagus. Review status: no classification provided. Collection method: in vitro. Allele origin: not applicable. Functional consequence: retained intron. Not counted in ClinVar's aggregate classification.

Dr. Peter K. Rogan Lab, Western University
No classification provided (evidence only). Condition: Malignant tumor of esophagus. Review status: no classification provided. Collection method: in vitro. Allele origin: not applicable. Functional consequence: retained intron. Not counted in ClinVar's aggregate classification.

Dr. Peter K. Rogan Lab, Western University
No classification provided (evidence only). Condition: Malignant tumor of esophagus. Review status: no classification provided. Collection method: in vitro. Allele origin: not applicable. Functional consequence: retained intron. Not counted in ClinVar's aggregate classification.

NM_001365631.1(CLASP2):c.4383G>A (p.Ala1461=)

Gene: CLASP2 (cytoplasmic linker associated protein 2; minus strand). Cytogenetic location: 3p22.3.
Variant type: single nucleotide variant.
Coding change: c.4383G>A on transcript NM_001365631.1 (MANE Select); coding-DNA position 4383, G replaced by A.
Protein change: p.Ala1461=; no amino-acid change (alanine 1461 retained).
Molecular consequence: synonymous variant.
Genome position (GRCh38, 1-based): chr3:33,501,703, C>T on the plus strand (G>A on the coding strand, the complement: CLASP2 is on the minus strand). VCF-style: chr3-33501703-C-T. GRCh37 (hg19) VCF-style: chr3-33543195-C-T.
Other names: NC_000003.11:g.33543195C>T; c.3747G>A, p.Ala1249= (NM_001207044.3, NM_001400424.1); c.4446G>A, p.Ala1482= (NM_001365627.1); c.4470G>A, p.Ala1490= (NM_001365628.1); c.4467G>A, p.Ala1489= (NM_001365629.1); c.4392G>A, p.Ala1464= (NM_001365630.1); c.4380G>A, p.Ala1460= (NM_001365632.1); c.4344G>A, p.Ala1448= (NM_001365633.1); and 38 more.
Identifiers: ClinVar variation 3037568 (VCV003037568.3), dbSNP rs111990025, ClinGen allele CA2302048.